The following is an entry in ClinVar:

NM_003200.5(TCF3):c.956-6C>G

Gene: TCF3 (transcription factor 3; minus strand). Cytogenetic location: 19p13.3.
Variant type: single nucleotide variant.
Coding change: c.956-6C>G on transcript NM_003200.5 (MANE Select); 6 bases into the intron before coding-DNA position 956, C replaced by G.
Molecular consequence: intron variant.
Genome position (GRCh38, 1-based): chr19:1,621,197, G>C on the plus strand (C>G on the coding strand, the complement: TCF3 is on the minus strand). VCF-style: chr19-1621197-G-C. GRCh37 (hg19) VCF-style: chr19-1621196-G-C.
Other names: c.956-6C>G (NM_001351778.2, NM_001136139.4, NM_001351779.2).
Identifiers: ClinVar variation 2880406 (VCV002880406.3), dbSNP rs2513604258, ClinGen allele CA2739276360.

ClinVar aggregate classification (germline): Uncertain significance (1 of 4 stars; one submission).

Submission:

Labcorp Genetics (formerly Invitae), Labcorp
Classification: Uncertain significance. Last evaluated: 2025-12-11. Review status: criteria provided, single submitter. Criteria: Invitae Variant Classification Sherloc (09022015). Collection method: clinical testing. Allele origin: germline.
Comment: This sequence change falls in intron 11 of the TCF3 gene. It does not directly change the encoded amino acid sequence of the TCF3 protein. This variant is not present in population databases (gnomAD no frequency). This variant has not been reported in the literature in individuals affected with TCF3-related conditions. ClinVar contains an entry for this variant (Variation ID: 2880406). Algorithms developed to predict the effect of sequence changes on RNA splicing suggest that this variant may disrupt the consensus splice site. In summary, the available evidence is currently insufficient to determine the role of this variant in disease. Therefore, it has been classified as a Variant of Uncertain Significance.